The following is an entry in ClinVar:

NM_015425.6(POLR1A):c.4529C>T (p.Pro1510Leu)

Gene: POLR1A (RNA polymerase I subunit A; minus strand). Cytogenetic location: 2p11.2.
Variant type: single nucleotide variant.
Coding change: c.4529C>T on transcript NM_015425.6 (MANE Select); coding-DNA position 4529, C replaced by T.
Protein change: p.Pro1510Leu; replaces proline 1510 with leucine.
Molecular consequence: missense variant.
Genome position (GRCh38, 1-based): chr2:86,031,379, G>A on the plus strand (C>T on the coding strand, the complement: POLR1A is on the minus strand). VCF-style: chr2-86031379-G-A. GRCh37 (hg19) VCF-style: chr2-86258502-G-A.
Other names: short protein forms P1510L.
Identifiers: ClinVar variation 2168994 (VCV002168994.4), dbSNP rs778089945, ClinGen allele CA1745471.

ClinVar aggregate classification (germline): Uncertain significance (1 of 4 stars; one submission).

Allele frequency attached by ClinVar (database versions not stated): TOPMed 0.00006; gnomAD 0.00007; ExAC 0.00009.
gnomAD v4.1: 167 of 1,603,560 alleles (0.01%); highest among the groups gnomAD compares: Middle Eastern, 0.066%; no homozygotes.

Submission:

Labcorp Genetics (formerly Invitae), Labcorp
Classification: Uncertain significance. Last evaluated: 2025-03-26. Review status: criteria provided, single submitter. Criteria: Invitae Variant Classification Sherloc (09022015). Collection method: clinical testing. Allele origin: germline.
Comment: This sequence change replaces proline, which is neutral and non-polar, with leucine, which is neutral and non-polar, at codon 1510 of the POLR1A protein (p.Pro1510Leu). This variant is present in population databases (rs778089945, gnomAD 0.06%). This variant has not been reported in the literature in individuals affected with POLR1A-related conditions. ClinVar contains an entry for this variant (Variation ID: 2168994). Invitae Evidence Modeling of protein sequence and biophysical properties (such as structural, functional, and spatial information, amino acid conservation, physicochemical variation, residue mobility, and thermodynamic stability) indicates that this missense variant is not expected to disrupt POLR1A protein function with a negative predictive value of 80%. In summary, the available evidence is currently insufficient to determine the role of this variant in disease. Therefore, it has been classified as a Variant of Uncertain Significance.